The following is an entry in ClinVar:

ClinVar aggregate classification (germline): Uncertain significance (1 of 4 stars; one submission).

Submission:

Labcorp Genetics (formerly Invitae), Labcorp
Classification: Uncertain significance. Last evaluated: 2022-12-29. Review status: criteria provided, single submitter. Criteria: Invitae Variant Classification Sherloc (09022015). Collection method: clinical testing. Allele origin: germline.
Comment: In summary, the available evidence is currently insufficient to determine the role of this variant in disease. Therefore, it has been classified as a Variant of Uncertain Significance. Algorithms developed to predict the effect of missense changes on protein structure and function are either unavailable or do not agree on the potential impact of this missense change (SIFT: "Deleterious"; PolyPhen-2: "Probably Damaging"; Align-GVGD: "Class C0"). This variant has not been reported in the literature in individuals affected with DSG1-related conditions. This variant is not present in population databases (gnomAD no frequency). This sequence change replaces valine, which is neutral and non-polar, with alanine, which is neutral and non-polar, at codon 17 of the DSG1 protein (p.Val17Ala).

NM_001942.4(DSG1):c.50T>C (p.Val17Ala)

Gene: DSG1 (desmoglein 1; plus strand). Cytogenetic location: 18q12.1.
Variant type: single nucleotide variant.
Coding change: c.50T>C on transcript NM_001942.4 (MANE Select); coding-DNA position 50, T replaced by C.
Protein change: p.Val17Ala; replaces valine 17 with alanine.
Molecular consequence: missense variant.
Genome position (GRCh38, 1-based): chr18:31,326,582, T>C. VCF-style: chr18-31326582-T-C. GRCh37 (hg19) VCF-style: chr18-28906545-T-C.
Other names: short protein forms V17A.
Identifiers: ClinVar variation 3018420 (VCV003018420.3), dbSNP rs2511042423, ClinGen allele CA402127401.